The following is an entry in ClinVar:

ClinVar aggregate classification (germline): Uncertain significance. Review status: criteria provided, multiple submitters, no conflicts (2 of 4 stars). 2 submissions from 2 submitters: Uncertain significance (2). Last evaluated 2025-07-14.

Conditions:
Hereditary cancer-predisposing syndrome. Also called: Neoplastic Syndromes, Hereditary; Tumor predisposition; Hereditary Cancer Syndrome; Hereditary neoplastic syndrome. Identifiers: Orphanet 140162, MedGen C0027672, MeSH D009386, MONDO:0015356.
Hereditary nonpolyposis colorectal neoplasms. Identifiers: MedGen C0009405, MeSH D003123.

Submissions (2):

Ambry Genetics
Classification: Uncertain significance for Hereditary cancer-predisposing syndrome. Last evaluated: 2025-07-14. Review status: criteria provided, single submitter. Criteria: Ambry Variant Classification Scheme 2023. Collection method: clinical testing. Allele origin: germline.
Comment: The p.E675A variant (also known as c.2024A>C), located in coding exon 12 of the PMS2 gene, results from an A to C substitution at nucleotide position 2024. The glutamic acid at codon 675 is replaced by alanine, an amino acid with dissimilar properties. This amino acid position is not well conserved in available vertebrate species. In addition, the in silico prediction for this alteration is inconclusive. Based on the available evidence, the clinical significance of this variant remains unclear.

Labcorp Genetics (formerly Invitae), Labcorp
Classification: Uncertain significance for Hereditary nonpolyposis colorectal neoplasms. Last evaluated: 2025-03-15. Review status: criteria provided, single submitter. Criteria: Invitae Variant Classification Sherloc (09022015). Collection method: clinical testing. Allele origin: germline.
Comment: This sequence change replaces glutamic acid, which is acidic and polar, with alanine, which is neutral and non-polar, at codon 675 of the PMS2 protein (p.Glu675Ala). The frequency data for this variant in the population databases (gnomAD) is considered unreliable due to the presence of homologous sequence, such as pseudogenes or paralogs, in the genome. This variant has not been reported in the literature in individuals affected with PMS2-related conditions. ClinVar contains an entry for this variant (Variation ID: 1784619). Invitae Evidence Modeling incorporating data from in vitro experimental studies (internal data) indicates that this missense variant is not expected to disrupt PMS2 function with a negative predictive value of 95%. In summary, the available evidence is currently insufficient to determine the role of this variant in disease. Therefore, it has been classified as a Variant of Uncertain Significance.

NM_000535.7(PMS2):c.2024A>C (p.Glu675Ala)

Gene: PMS2 (PMS1 homolog 2, mismatch repair system component; minus strand). Cytogenetic location: 7p22.1.
Variant type: single nucleotide variant.
Coding change: c.2024A>C on transcript NM_000535.7 (MANE Select); coding-DNA position 2024, A replaced by C.
Protein change: p.Glu675Ala; replaces glutamic acid 675 with alanine.
Molecular consequence: missense variant. On other transcripts: non-coding transcript variant (1).
Genome position (GRCh38, 1-based): chr7:5,982,974, T>G on the plus strand (A>C on the coding strand, the complement: PMS2 is on the minus strand). VCF-style: chr7-5982974-T-G. GRCh37 (hg19) VCF-style: chr7-6022605-T-G.
Other names: c.1619A>C, p.Glu540Ala (NM_001018040.1, NM_001322003.2, NM_001322004.2 and 15 more transcripts); c.1868A>C, p.Glu623Ala (NM_001322006.2, NM_001406870.1); c.1706A>C, p.Glu569Ala (NM_001322007.2, NM_001322008.2, NM_001406876.1 and 1 more transcripts); c.1463A>C, p.Glu488Ala (NM_001322010.2, NM_001406906.1, NM_001406907.1); c.1091A>C, p.Glu364Ala (NM_001322011.2, NM_001322012.2); c.1451A>C, p.Glu484Ala (NM_001322013.2, NM_001406909.1); c.2024A>C, p.Glu675Ala (NM_001322014.2, NM_001406871.1); c.1715A>C, p.Glu572Ala (NM_001322015.2, NM_001406875.1, NM_001406877.1 and 5 more transcripts); and 13 more; short protein forms E488A, E553A, E567A, E609A, E639A, E683A, E364A, E418A.
Identifiers: ClinVar variation 1784619 (VCV001784619.5), dbSNP rs2128704651, ClinGen allele CA366738163.